The following is an entry in ClinVar:

NM_001386298.1(CIC):c.3788C>A (p.Ala1263Asp)

Gene: CIC (capicua transcriptional repressor; plus strand). Cytogenetic location: 19q13.2.
Variant type: single nucleotide variant.
Coding change: c.3788C>A on transcript NM_001386298.1 (MANE Select); coding-DNA position 3788, C replaced by A.
Protein change: p.Ala1263Asp; replaces alanine 1263 with aspartic acid.
Molecular consequence: missense variant.
Genome position (GRCh38, 1-based): chr19:42,289,017, C>A. VCF-style: chr19-42289017-C-A. GRCh37 (hg19) VCF-style: chr19-42793169-C-A.
Other names: c.3788C>A, p.Ala1263Asp (NM_001304815.2, NM_001379480.1, NM_001379482.1 and 6 more transcripts); c.1061C>A, p.Ala354Asp (NM_001379484.1, NM_001379485.1, NM_001439189.1 and 3 more transcripts); short protein forms A1263D, A354D.
Identifiers: ClinVar variation 4990009 (VCV004990009.1).
Genomic context (GRCh38, chr19:42,289,017, plus strand): 5'-GCTCCTGTGGGGCAGAACGGCTACACACAGTTGGGGGACCTGGCTCAGCCCGGCCCCGAG[C>A]TTTCTCCCACAGCGGGGTACACAGCCTGGACGGCGGAGAAGTAGACAGTCAGGCGCTACA-3'
Protein context (NP_001373227.1, residues 1253-1273): VGGPGSARPR[Ala1263Asp]FSHSGVHSLD

ClinVar aggregate classification (germline): Uncertain significance (1 of 4 stars; one submission).

Conditions:
CIC-related disorder. Also called: CIC-related condition.

gnomAD v4.1: 11 of 1,613,848 alleles (0.00068%); highest among the groups gnomAD compares: Non-Finnish European, 0.00085%; no homozygotes.

Submission:

PreventionGenetics, part of Exact Sciences
Classification: Uncertain significance for CIC-related condition. Last evaluated: 2024-12-05. Review status: criteria provided, single submitter. Criteria: ACMG Guidelines, 2015. Collection method: clinical testing. Allele origin: germline.
Comment: The CIC c.1061C>A variant is predicted to result in the amino acid substitution p.Ala354Asp. To our knowledge, this variant has not been reported in the literature. This variant is reported in 0.0% of alleles in individuals of African descent in gnomAD. At this time, the clinical significance of this variant is uncertain due to the absence of conclusive functional and genetic evidence.